The following is an entry in ClinVar:

GRCh38/hg38 13q33.1-33.2(chr13:102874880-104466750)x1

Genes: BIVM-ERCC5 (BIVM-ERCC5 readthrough; plus strand), ERCC5 (ERCC excision repair 5, endonuclease; plus strand), LINC01309 (long intergenic non-protein coding RNA 1309; plus strand), SLC10A2 (solute carrier family 10 member 2; minus strand), LOC126861835 (BRD4-independent group 4 enhancer GRCh37_chr13:104591465-104592664; plus strand) and 4 more. Cytogenetic location: 13q33.1-33.2.
Variant type: copy number loss.
Change: copy number 1 (one copy instead of two) of chr13:102,874,880-104,466,750 (1.59 Mb, GRCh38 coordinates, 1-based), cytogenetic band 13q33.1-33.2.
Identifiers: ClinVar variation 4852049 (VCV004852049.1).

ClinVar aggregate classification (germline): Pathogenic (1 of 4 stars; one submission).

Submission:

Clinical Genomics Laboratory, Laboratory for Precision Diagnostics, University of Washington
Classification: Pathogenic. Last evaluated: 2022-07-08. Review status: criteria provided, single submitter. Criteria: ACMG/ClinGen CNV Guidelines, 2019. Collection method: clinical testing. Allele origin: unknown. Affected: yes. Observed: 1 variant allele.
Comment: The deletion is approximately 1.59 Mb in size but contains only two protein-coding genes. The deletion encompasses the entirety of SLC10A2 (OMIM * 601295) and the last exon (exon 15) of ERCC5 (NM_000123; OMIM 133530). The last exon of ERCC5 contains part of the I-domain and nuclear localization signal, so this deletion likely causes loss of function of one copy of the gene. Homozygosity or compound heterozygosity for loss-of-function variants in ERCC5 is associated with autosomal recessive xeroderma pigmentosum group G (OMIM 278780) and cerebrooculofacioskeletal syndrome 3 (OMIM 616570).